The following is an entry in ClinVar:

ClinVar aggregate classification (germline): Uncertain significance. Review status: criteria provided, multiple submitters, no conflicts (2 of 4 stars). 2 submissions from 2 submitters: Uncertain significance (2). Last evaluated 2025-10-29.

Allele frequency attached by ClinVar (database versions not stated): ExAC 0.00002; gnomAD 0.00006; TOPMed 0.00006; 1000 Genomes Project 30x 0.00016; 1000 Genomes Project 0.00020.

Submissions (2):

Ambry Genetics
Classification: Uncertain significance. Last evaluated: 2025-10-29. Review status: criteria provided, single submitter. Criteria: Ambry Variant Classification Scheme 2023. Collection method: clinical testing. Allele origin: germline.

Labcorp Genetics (formerly Invitae), Labcorp
Classification: Uncertain significance. Last evaluated: 2025-05-19. Review status: criteria provided, single submitter. Criteria: Invitae Variant Classification Sherloc (09022015). Collection method: clinical testing. Allele origin: germline.
Comment: This sequence change replaces threonine, which is neutral and polar, with serine, which is neutral and polar, at codon 288 of the SLC10A2 protein (p.Thr288Ser). This variant is present in population databases (rs202212847, gnomAD 0.01%). This variant has not been reported in the literature in individuals affected with SLC10A2-related conditions. ClinVar contains an entry for this variant (Variation ID: 2176395). Invitae Evidence Modeling of protein sequence and biophysical properties (such as structural, functional, and spatial information, amino acid conservation, physicochemical variation, residue mobility, and thermodynamic stability) indicates that this missense variant is not expected to disrupt SLC10A2 protein function with a negative predictive value of 80%. In summary, the available evidence is currently insufficient to determine the role of this variant in disease. Therefore, it has been classified as a Variant of Uncertain Significance.

NM_000452.3(SLC10A2):c.862A>T (p.Thr288Ser)

Gene: SLC10A2 (solute carrier family 10 member 2; minus strand). Cytogenetic location: 13q33.1.
Variant type: single nucleotide variant.
Coding change: c.862A>T on transcript NM_000452.3 (MANE Select); coding-DNA position 862, A replaced by T.
Protein change: p.Thr288Ser; replaces threonine 288 with serine.
Molecular consequence: missense variant.
Genome position (GRCh38, 1-based): chr13:103,049,346, T>A on the plus strand (A>T on the coding strand, the complement: SLC10A2 is on the minus strand). VCF-style: chr13-103049346-T-A. GRCh37 (hg19) VCF-style: chr13-103701696-T-A.
Other names: c.862A>T (NM_000452.2); short protein forms T288S.
Identifiers: ClinVar variation 2176395 (VCV002176395.6), dbSNP rs202212847, ClinGen allele CA7042019.